The following is an entry in ClinVar:

ClinVar aggregate classification (germline): Uncertain significance (1 of 4 stars; one submission).

Conditions:
Leigh syndrome (NULS). Also called: Leigh's necrotizing encephalopathy; Leigh's disease; Leigh Syndrome (mtDNA deletion); Leigh Disease; Subacute necrotizing encephalopathy; Necrotizing encephalopathy infantile subacute of Leigh. Identifiers: Orphanet 506, MedGen C2931891, MONDO:0009723, OMIM 256000.

Submission:

Wong Mito Lab, Molecular and Human Genetics, Baylor College of Medicine
Classification: Uncertain significance for Leigh syndrome. Last evaluated: 2019-10-17. Review status: criteria provided, single submitter. Criteria: Modified ACMG Guidelines (Unpublished). Collection method: clinical testing. Allele origin: germline.
Comment: The NC_012920.1:m.5325A>G (YP_003024027.1:p.Thr286Ala) variant in MTND2 gene is interpretated to be a Uncertain Significance variant based on the modified ACMG guidelines (unpublished). This variant meets the following evidence codes: BP4

NC_012920.1(MT-ND2):m.5325A>G

Gene: MT-ND2 (mitochondrially encoded NADH dehydrogenase 2; plus strand).
Variant type: single nucleotide variant.
Genome position: chrM-5325-A-G.
Identifiers: ClinVar variation 692581 (VCV000692581.1), dbSNP rs1603219901, ClinGen allele CA414779836.